The following is an entry in ClinVar:

ClinVar aggregate classification (germline): Uncertain significance (1 of 4 stars; one submission).

Allele frequency attached by ClinVar (database versions not stated): gnomAD exomes below 0.00001.
gnomAD v4.1: 1 of 1,614,058 alleles (0.000062%); highest among the groups gnomAD compares: Non-Finnish European, 0.000085%; no homozygotes.

Submission:

Labcorp Genetics (formerly Invitae), Labcorp
Classification: Uncertain significance. Last evaluated: 2024-10-26. Review status: criteria provided, single submitter. Criteria: Invitae Variant Classification Sherloc (09022015). Collection method: clinical testing. Allele origin: germline.
Comment: This sequence change replaces asparagine, which is neutral and polar, with serine, which is neutral and polar, at codon 677 of the ACE protein (p.Asn677Ser). This variant is not present in population databases (gnomAD no frequency). This variant has not been reported in the literature in individuals affected with ACE-related conditions. ClinVar contains an entry for this variant (Variation ID: 2120952). Invitae Evidence Modeling of protein sequence and biophysical properties (such as structural, functional, and spatial information, amino acid conservation, physicochemical variation, residue mobility, and thermodynamic stability) indicates that this missense variant is not expected to disrupt ACE protein function with a negative predictive value of 80%. In summary, the available evidence is currently insufficient to determine the role of this variant in disease. Therefore, it has been classified as a Variant of Uncertain Significance.

NM_000789.4(ACE):c.2030A>G (p.Asn677Ser)

Gene: ACE (angiotensin I converting enzyme; plus strand). Cytogenetic location: 17q23.3.
Variant type: single nucleotide variant.
Coding change: c.2030A>G on transcript NM_000789.4 (MANE Select); coding-DNA position 2030, A replaced by G.
Protein change: p.Asn677Ser; replaces asparagine 677 with serine.
Molecular consequence: missense variant. On other transcripts: 5 prime UTR variant (1), non-coding transcript variant (1).
Genome position (GRCh38, 1-based): chr17:63,485,344, A>G. VCF-style: chr17-63485344-A-G. GRCh37 (hg19) VCF-style: chr17-61562705-A-G.
Other names: c.308A>G, p.Asn103Ser (NM_001178057.2, NM_152830.3); c.1463A>G, p.Asn488Ser (NM_001382700.1); c.1178A>G, p.Asn393Ser (NM_001382701.1); c.-41A>G (NM_001382702.1); short protein forms N488S, N393S, N677S, N103S.
Identifiers: ClinVar variation 2120952 (VCV002120952.4), dbSNP rs2510695131, ClinGen allele CA400554910.